The following is an entry in ClinVar:

NM_005120.3(MED12):c.133T>G (p.Phe45Val)

Gene: MED12 (mediator complex subunit 12; plus strand). Cytogenetic location: Xq13.1.
Variant type: single nucleotide variant.
Coding change: c.133T>G on transcript NM_005120.3 (MANE Select); coding-DNA position 133, T replaced by G.
Protein change: p.Phe45Val; replaces phenylalanine 45 with valine.
Molecular consequence: missense variant.
Genome position (GRCh38, 1-based): chrX:71,119,406, T>G. VCF-style: chrX-71119406-T-G. GRCh37 (hg19) VCF-style: chrX-70339256-T-G.
Other names: short protein forms F45V.
Identifiers: ClinVar variation 1699840 (VCV001699840.2), dbSNP rs2147770734, ClinGen allele CA413498679.
Genomic context (GRCh38, chrX:71,119,406, plus strand): 5'-CAACTAAACGCCGCTTTCCTGCCTCAGGATGAACTGACGGCCTTGAATGTAAAACAAGGT[T>G]TCAATAACCAGCCTGCTGTCTCTGGGGATGAGCATGGCAGTGCCAAGAACGTCAGCTTCA-3'
Protein context (NP_005111.2, residues 35-55): ELTALNVKQG[Phe45Val]NNQPAVSGDE

ClinVar aggregate classification (germline): Uncertain significance (1 of 4 stars; one submission).

Submission:

GeneDx
Classification: Uncertain significance. Last evaluated: 2022-01-27. Review status: criteria provided, single submitter. Criteria: GeneDx Variant Classification Process June 2021. Collection method: clinical testing. Allele origin: germline. Affected: yes.
Comment: Not observed at significant frequency in large population cohorts (gnomAD); In silico analysis supports that this missense variant has a deleterious effect on protein structure/function; Has not been previously published as pathogenic or benign germline variant to our knowledge; This variant is associated with the following publications: (PMID: Bineta2019[Somatic])